The following is an entry in ClinVar:

NM_001366385.1(CARD14):c.1877T>C (p.Leu626Ser)

Genes: SGSH (N-sulfoglucosamine sulfohydrolase; minus strand), CARD14 (caspase recruitment domain family member 14; plus strand). Cytogenetic location: 17q25.3.
Variant type: single nucleotide variant.
Coding change: c.1877T>C on transcript NM_001366385.1 (MANE Select); coding-DNA position 1877, T replaced by C.
Protein change: p.Leu626Ser; replaces leucine 626 with serine.
Molecular consequence: missense variant. On other transcripts: non-coding transcript variant (1).
Genome position (GRCh38, 1-based): chr17:80,201,769, T>C. VCF-style: chr17-80201769-T-C. GRCh37 (hg19) VCF-style: chr17-78175568-T-C.
Other names: c.1877T>C (NM_024110.3); c.1877T>C, p.Leu626Ser (NM_001257970.1, NM_024110.4); short protein forms L626S.
Identifiers: ClinVar variation 3749019 (VCV003749019.3).

ClinVar aggregate classification (germline): Conflicting classifications of pathogenicity. Review status: criteria provided, conflicting classifications (1 of 4 stars). 2 submissions from 2 submitters: Uncertain significance (1); Likely benign (1). Last evaluated 2025-11-03.

Conditions:
Pityriasis rubra pilaris (PRP). Also called: Pityriasis rubra pilaris--familial type. Identifiers: Orphanet 2897, MedGen C0032027, MONDO:0100017, OMIM 173200, MONDO:0008251.
Psoriasis 2. Identifiers: MedGen C1864497, MONDO:0011269, OMIM 602723.
Inborn genetic diseases. Identifiers: MedGen C0950123, MeSH D030342.

gnomAD v4.1: 2 of 1,613,914 alleles (0.00012%); highest among the groups gnomAD compares: African/African-American, 0.0013%; no homozygotes.

Submissions (2):

Ambry Genetics
Classification: Likely benign for Inborn genetic diseases. Last evaluated: 2025-11-03. Review status: criteria provided, single submitter. Criteria: Ambry Variant Classification Scheme 2023. Collection method: clinical testing. Allele origin: germline.

Labcorp Genetics (formerly Invitae), Labcorp
Classification: Uncertain significance for Pityriasis rubra pilaris; Psoriasis 2. Last evaluated: 2024-11-02. Review status: criteria provided, single submitter. Criteria: Invitae Variant Classification Sherloc (09022015). Collection method: clinical testing. Allele origin: germline.
Comment: This sequence change replaces leucine, which is neutral and non-polar, with serine, which is neutral and polar, at codon 626 of the CARD14 protein (p.Leu626Ser). This variant is present in population databases (rs202126121, gnomAD 0.004%). This variant has not been reported in the literature in individuals affected with CARD14-related conditions. Invitae Evidence Modeling of protein sequence and biophysical properties (such as structural, functional, and spatial information, amino acid conservation, physicochemical variation, residue mobility, and thermodynamic stability) indicates that this missense variant is not expected to disrupt CARD14 protein function with a negative predictive value of 95%. In summary, the available evidence is currently insufficient to determine the role of this variant in disease. Therefore, it has been classified as a Variant of Uncertain Significance.